The following is an entry in ClinVar:

ClinVar aggregate classification (germline): Pathogenic. Review status: criteria provided, multiple submitters, no conflicts (2 of 4 stars). 2 submissions from 2 submitters: Pathogenic (2). Last evaluated 2025-09-03.

Conditions:
Cardiac arrhythmia. Also called: Arrhythmia; Cardiac rhythm disease. Identifiers: MedGen C0003811, MONDO:0007263, HP:0011675.

Submissions (2):

Color Diagnostics, LLC DBA Color Health
Classification: Pathogenic for Cardiac arrhythmia. Last evaluated: 2025-09-03. Review status: criteria provided, single submitter. Criteria: ACMG Guidelines, 2015. Collection method: clinical testing. Allele origin: germline.
Comment: This variant changes 1 nucleotide in exon 7 of the KCNQ1 gene, creating a premature translation stop signal. This variant is expected to result in an absent or non-functional protein product. This variant and another DNA change with the same protein consequence have been reported in individuals affected with long QT syndrome (PMID: 23631430, 36635780). This variant has not been identified in the general population by the Genome Aggregation Database (gnomAD). Loss of KCNQ1 function is a known mechanism of disease. Based on the available evidence, this variant is classified as Pathogenic.

GeneDx
Classification: Pathogenic. Last evaluated: 2012-01-06. Review status: criteria provided, single submitter. Criteria: GeneDx Variant Classification (06012015). Collection method: clinical testing. Allele origin: germline. Affected: yes.
Comment: This nonsense mutation is denoted Trp323Stop (aka W323X) at the protein level and c.969 G>A at the cDNA level. Although the Trp323Stop mutation has not been previously published in association with LQTS or arrhythmia, it is predicted to cause loss of normal protein function either due to production of an abnormal, prematurely truncated protein, or by absence of protein product due to nonsense mediated mRNA decay. Other nonsense mutations in KCNQ1 (Trp305Stop, Ser349Stop and Gln356Stop) have been reported in association with LQTS (Chen S et al., 2003, Kanters JK et al.,2004, Splawski I et al., 2000). The Trp323Stop mutation also has been observed in other unrelated individuals at GeneDx. The variant is found in LQT panel(s).

Literature cited by the submitters: PubMed 23631430 (cited by Color Diagnostics, LLC DBA Color Health); PubMed 36635780 (cited by Color Diagnostics, LLC DBA Color Health).

NM_000218.3(KCNQ1):c.969G>A (p.Trp323Ter)

Gene: KCNQ1 (potassium voltage-gated channel subfamily Q member 1; plus strand). Cytogenetic location: 11p15.5.
Variant type: single nucleotide variant.
Coding change: c.969G>A on transcript NM_000218.3 (MANE Select); coding-DNA position 969, G replaced by A.
Protein change: p.Trp323Ter; replaces tryptophan 323 with a stop codon.
Molecular consequence: nonsense.
Genome position (GRCh38, 1-based): chr11:2,583,482, G>A. VCF-style: chr11-2583482-G-A. GRCh37 (hg19) VCF-style: chr11-2604712-G-A.
Other names: p.W323*:TGG>TGA; c.969G>A, p.Trp323Ter (NM_001406836.1); c.699G>A, p.Trp233Ter (NM_001406837.1); c.525G>A, p.Trp175Ter (NM_001406838.1); c.588G>A, p.Trp196Ter (NM_181798.2); short protein forms W196*, W323*, W175*, W233*.
Identifiers: ClinVar variation 200893 (VCV000200893.5), dbSNP rs794728567, ClinGen allele CA008966.